The following is an entry in ClinVar:

ClinVar aggregate classification (germline): Uncertain significance. Review status: criteria provided, multiple submitters, no conflicts (2 of 4 stars). 4 submissions from 4 submitters: Uncertain significance (4). Last evaluated 2025-07-30.

Conditions:
Familial adenomatous polyposis 1 (FAP1). Also called: POLYPOSIS, ADENOMATOUS INTESTINAL; FAMILIAL ADENOMATOUS POLYPOSIS 1, ATTENUATED. Identifiers: MedGen C2713442, MONDO:0021056, OMIM 175100. Disease mechanism: loss of function.
Hereditary cancer-predisposing syndrome. Also called: Hereditary Cancer Syndrome; Neoplastic Syndromes, Hereditary; Tumor predisposition; Hereditary neoplastic syndrome. Identifiers: Orphanet 140162, MedGen C0027672, MeSH D009386, MONDO:0015356.

Submissions (4):

Labcorp Genetics (formerly Invitae), Labcorp
Classification: Uncertain significance for Familial adenomatous polyposis 1. Last evaluated: 2025-07-30. Review status: criteria provided, single submitter. Criteria: Invitae Variant Classification Sherloc (09022015). Collection method: clinical testing. Allele origin: germline.
Comment: This sequence change replaces glycine, which is neutral and non-polar, with aspartic acid, which is acidic and polar, at codon 375 of the APC protein (p.Gly375Asp). This variant is not present in population databases (gnomAD no frequency). This variant has not been reported in the literature in individuals affected with APC-related conditions. ClinVar contains an entry for this variant (Variation ID: 489409). Invitae Evidence Modeling of protein sequence and biophysical properties (such as structural, functional, and spatial information, amino acid conservation, physicochemical variation, residue mobility, and thermodynamic stability) indicates that this missense variant is not expected to disrupt APC protein function with a negative predictive value of 95%. In summary, the available evidence is currently insufficient to determine the role of this variant in disease. Therefore, it has been classified as a Variant of Uncertain Significance.

Center for Genomic Medicine, Rigshospitalet, Copenhagen University Hospital
Classification: Uncertain significance. Last evaluated: 2025-03-04. Review status: criteria provided, single submitter. Criteria: ACMG Guidelines, 2015. Collection method: clinical testing. Allele origin: germline.

Color Diagnostics, LLC DBA Color Health
Classification: Uncertain significance for Hereditary cancer-predisposing syndrome. Last evaluated: 2023-12-05. Review status: criteria provided, single submitter. Criteria: ACMG Guidelines, 2015. Collection method: clinical testing. Allele origin: germline.
Comment: This missense variant replaces glycine with aspartic acid at codon 375 of the APC protein. Computational prediction is inconclusive regarding the impact of this variant on protein structure and function (internally defined REVEL score threshold 0.5 < inconclusive < 0.7, PMID: 27666373). To our knowledge, functional studies have not been reported for this variant. This variant has not been reported in individuals affected with APC-related disorders in the literature. This variant has not been identified in the general population by the Genome Aggregation Database (gnomAD). The available evidence is insufficient to determine the role of this variant in disease conclusively. Therefore, this variant is classified as a Variant of Uncertain Significance.

Ambry Genetics
Classification: Uncertain significance for Hereditary cancer-predisposing syndrome. Last evaluated: 2022-09-16. Review status: criteria provided, single submitter. Criteria: Ambry Variant Classification Scheme 2023. Collection method: clinical testing. Allele origin: germline.

NM_000038.6(APC):c.1124G>A (p.Gly375Asp)

Gene: APC (APC regulator of Wnt signaling pathway; plus strand). Cytogenetic location: 5q22.2.
Variant type: single nucleotide variant.
Coding change: c.1124G>A on transcript NM_000038.6 (MANE Select); coding-DNA position 1124, G replaced by A.
Protein change: p.Gly375Asp; replaces glycine 375 with aspartic acid.
Molecular consequence: missense variant. On other transcripts: intron variant (4).
Genome position (GRCh38, 1-based): chr5:112,819,156, G>A. VCF-style: chr5-112819156-G-A. GRCh37 (hg19) VCF-style: chr5-112154853-G-A.
Other names: c.1124G>A, p.Gly375Asp (NM_001127510.3, NM_001354895.2, NM_001354896.2); c.1070G>A, p.Gly357Asp (NM_001127511.3); c.1154G>A, p.Gly385Asp (NM_001354897.2); c.1049G>A, p.Gly350Asp (NM_001354898.2); c.1040G>A, p.Gly347Asp (NM_001354899.2); c.947G>A, p.Gly316Asp (NM_001354900.2, NM_001354901.2); c.275G>A, p.Gly92Asp (NM_001354906.2); c.964-113G>A (NM_001354902.2); and 3 more; short protein forms G357D, G375D, G316D, G92D, G347D, G350D, G385D.
Identifiers: ClinVar variation 489409 (VCV000489409.20), dbSNP rs1554080027, ClinGen allele CA16023768.